The following is an entry in ClinVar:

ClinVar aggregate classification (germline): Benign. Review status: criteria provided, multiple submitters, no conflicts (2 of 4 stars). 4 submissions from 4 submitters: Benign (3). 1 of the submissions does not count toward it. Last evaluated 2026-01-26.

Conditions:
LAMB1-related disorder. Also called: LAMB1-related condition.

Allele frequency attached by ClinVar (database versions not stated): ExAC 0.00301; gnomAD 0.00988; TOPMed 0.00988; ESP Exome Variant Server 0.01092; 1000 Genomes Project 0.01098; 1000 Genomes Project 30x 0.01249.

Submissions (10):

Labcorp Genetics (formerly Invitae), Labcorp
Classification: Benign. Last evaluated: 2026-01-26. Review status: criteria provided, single submitter. Criteria: Invitae Variant Classification Sherloc (09022015). Collection method: clinical testing. Allele origin: germline.

GeneDx
Classification: Benign. Last evaluated: 2016-07-25. Review status: criteria provided, single submitter. Criteria: GeneDx Variant Classification (06012015). Collection method: clinical testing. Allele origin: germline. Affected: yes.
Comment: This variant is considered likely benign or benign based on one or more of the following criteria: it is a conservative change, it occurs at a poorly conserved position in the protein, it is predicted to be benign by multiple in silico algorithms, and/or has population frequency not consistent with disease.

Breakthrough Genomics
Classification: Benign. Review status: criteria provided, single submitter. Criteria: ACMG Guidelines, 2015. Collection method: not provided. Allele origin: germline. Inheritance: Autosomal recessive inheritance. Affected: yes.

PreventionGenetics, part of Exact Sciences
Classification: Benign for LAMB1-related condition. Last evaluated: 2019-08-28. Review status: no assertion criteria provided. Collection method: clinical testing. Allele origin: germline. Not counted in ClinVar's aggregate classification.
Comment: This variant is classified as benign based on ACMG/AMP sequence variant interpretation guidelines (Richards et al. 2015 PMID: 25741868, with internal and published modifications).

Dr. Peter K. Rogan Lab, Western University
No classification provided (evidence only). Condition: Clear cell carcinoma of kidney. Review status: no classification provided. Collection method: in vitro. Allele origin: not applicable. Functional consequence: skipped exon. Not counted in ClinVar's aggregate classification.

Dr. Peter K. Rogan Lab, Western University
No classification provided (evidence only). Condition: Thyroid cancer, nonmedullary, 1. Review status: no classification provided. Collection method: in vitro. Allele origin: not applicable. Functional consequence: skipped exon. Not counted in ClinVar's aggregate classification.

Dr. Peter K. Rogan Lab, Western University
No classification provided (evidence only). Condition: Cervical cancer. Review status: no classification provided. Collection method: in vitro. Allele origin: not applicable. Functional consequence: skipped exon. Not counted in ClinVar's aggregate classification.

Dr. Peter K. Rogan Lab, Western University
No classification provided (evidence only). Condition: Cervical cancer. Review status: no classification provided. Collection method: in vitro. Allele origin: not applicable. Functional consequence: skipped exon, retained intron. Not counted in ClinVar's aggregate classification.

Dr. Peter K. Rogan Lab, Western University
No classification provided (evidence only). Condition: Sarcoma. Review status: no classification provided. Collection method: in vitro. Allele origin: not applicable. Functional consequence: skipped exon. Not counted in ClinVar's aggregate classification.

Dr. Peter K. Rogan Lab, Western University
No classification provided (evidence only). Condition: Hepatocellular carcinoma. Review status: no classification provided. Collection method: in vitro. Allele origin: not applicable. Functional consequence: skipped exon. Not counted in ClinVar's aggregate classification.

NM_002291.3(LAMB1):c.4236C>T (p.Gly1412=)

Gene: LAMB1 (laminin subunit beta 1; minus strand). Cytogenetic location: 7q31.1.
Variant type: single nucleotide variant.
Coding change: c.4236C>T on transcript NM_002291.3 (MANE Select); coding-DNA position 4236, C replaced by T.
Protein change: p.Gly1412=; no amino-acid change (glycine 1412 retained).
Molecular consequence: synonymous variant.
Genome position (GRCh38, 1-based): chr7:107,932,330, G>A on the plus strand (C>T on the coding strand, the complement: LAMB1 is on the minus strand). VCF-style: chr7-107932330-G-A. GRCh37 (hg19) VCF-style: chr7-107572775-G-A.
Identifiers: ClinVar variation 384305 (VCV000384305.16), dbSNP rs76420489, ClinGen allele CA4435092.